The following is an entry in ClinVar:

NM_001166114.2(PNPLA6):c.3651C>T (p.Pro1217=)

Gene: PNPLA6 (patatin like domain 6, lysophospholipase; plus strand). Cytogenetic location: 19p13.2.
Variant type: single nucleotide variant.
Coding change: c.3651C>T on transcript NM_001166114.2 (MANE Select); coding-DNA position 3651, C replaced by T.
Protein change: p.Pro1217=; no amino-acid change (proline 1217 retained).
Molecular consequence: synonymous variant.
Genome position (GRCh38, 1-based): chr19:7,559,103, C>T. VCF-style: chr19-7559103-C-T. GRCh37 (hg19) VCF-style: chr19-7623989-C-T.
Other names: c.3681C>T, p.Pro1227= (NM_001166111.2); c.3456C>T, p.Pro1152= (NM_001166112.2); c.3537C>T, p.Pro1179= (NM_001166113.1, NM_006702.5).
Identifiers: ClinVar variation 2649166 (VCV002649166.24), dbSNP rs2512571683, ClinGen allele CA505245066.

ClinVar aggregate classification (germline): Likely benign (1 of 4 stars; one submission).

Allele frequency attached by ClinVar (database versions not stated): gnomAD exomes below 0.00001.
gnomAD v4.1: 2 of 1,614,228 alleles (0.00012%); highest among the groups gnomAD compares: Middle Eastern, 0.017%; no homozygotes.

Submission:

CeGaT Center for Human Genetics Tuebingen
Classification: Likely benign. Last evaluated: 2023-10-01. Review status: criteria provided, single submitter. Criteria: CeGaT Center For Human Genetics Tuebingen Variant Classification Criteria Version 2. Collection method: clinical testing. Allele origin: germline. Affected: yes. Observed: 1 variant allele.
Comment: PNPLA6: PM2:Supporting, BP4, BP7